The following is an entry in ClinVar:

NM_000368.5(TSC1):c.286G>T (p.Val96Phe)

Gene: TSC1 (TSC complex subunit 1; minus strand). Cytogenetic location: 9q34.13.
Variant type: single nucleotide variant.
Coding change: c.286G>T on transcript NM_000368.5 (MANE Select); coding-DNA position 286, G replaced by T.
Protein change: p.Val96Phe; replaces valine 96 with phenylalanine.
Molecular consequence: missense variant. On other transcripts: 5 prime UTR variant (18), non-coding transcript variant (5), intron variant (5).
Genome position (GRCh38, 1-based): chr9:132,925,664, C>A on the plus strand (G>T on the coding strand, the complement: TSC1 is on the minus strand). VCF-style: chr9-132925664-C-A. GRCh37 (hg19) VCF-style: chr9-135801051-C-A.
Other names: c.286G>T, p.Val96Phe (NM_001162426.2, NM_001406592.1, NM_001406593.1 and 16 more transcripts); c.-78G>T (NM_001362177.2, NM_001406617.1, NM_001406618.1 and 5 more transcripts); c.-170G>T (NM_001406614.1, NM_001406616.1, NM_001406624.1); c.-203G>T (NM_001406615.1, NM_001406623.1); c.-592G>T (NM_001406626.1, NM_001406627.1, NM_001406628.1); c.-734G>T (NM_001406629.1); c.-808G>T (NM_001406630.1); c.210+1537G>T (NM_001406613.1, NM_001406612.1, NM_001406610.1 and 2 more transcripts); short protein forms V96F.
Identifiers: ClinVar variation 5031273 (VCV005031273.1).

ClinVar aggregate classification (germline): Uncertain significance (1 of 4 stars; one submission).

Conditions:
Hereditary cancer-predisposing syndrome. Also called: Neoplastic Syndromes, Hereditary; Tumor predisposition; Hereditary neoplastic syndrome; Hereditary Cancer Syndrome. Identifiers: Orphanet 140162, MedGen C0027672, MeSH D009386, MONDO:0015356.

Submission:

Ambry Genetics
Classification: Uncertain significance for Hereditary cancer-predisposing syndrome. Last evaluated: 2026-08-31. Review status: criteria provided, single submitter. Criteria: Ambry Variant Classification Scheme 2023. Collection method: clinical testing. Allele origin: germline.
Comment: The p.V96F variant (also known as c.286G>T), located in coding exon 3 of the TSC1 gene, results from a G to T substitution at nucleotide position 286. The valine at codon 96 is replaced by phenylalanine, an amino acid with highly similar properties. This amino acid position is conserved. In addition, this alteration is predicted to be deleterious by in silico analysis. Based on the available evidence, the clinical significance of this variant remains unclear.